The following is an entry in ClinVar:

ClinVar aggregate classification (germline): Uncertain significance (1 of 4 stars; one submission).

Conditions:
Cardiovascular phenotype. Identifiers: MedGen CN230736.

Submission:

Ambry Genetics
Classification: Uncertain significance for Cardiovascular phenotype. Last evaluated: 2021-06-28. Review status: criteria provided, single submitter. Criteria: Ambry Variant Classification Scheme 2023. Collection method: clinical testing. Allele origin: germline.
Comment: The p.S1157C variant (also known as c.3470C>G), located in coding exon 27 of the ABCC9 gene, results from a C to G substitution at nucleotide position 3470. The serine at codon 1157 is replaced by cysteine, an amino acid with dissimilar properties. This amino acid position is highly conserved in available vertebrate species. In addition, this alteration is predicted to be deleterious by in silico analysis. Since supporting evidence is limited at this time, the clinical significance of this alteration remains unclear.

NM_020297.4(ABCC9):c.3470C>G (p.Ser1157Cys)

Gene: ABCC9 (ATP binding cassette subfamily C member 9; minus strand). Cytogenetic location: 12p12.1.
Variant type: single nucleotide variant.
Coding change: c.3470C>G on transcript NM_020297.4 (MANE Select); coding-DNA position 3470, C replaced by G.
Protein change: p.Ser1157Cys; replaces serine 1157 with cysteine.
Molecular consequence: missense variant.
Genome position (GRCh38, 1-based): chr12:21,842,317, G>C on the plus strand (C>G on the coding strand, the complement: ABCC9 is on the minus strand). VCF-style: chr12-21842317-G-C. GRCh37 (hg19) VCF-style: chr12-21995251-G-C.
Other names: c.3470C>G, p.Ser1157Cys (NM_001377273.1, NM_005691.4); c.2603C>G, p.Ser868Cys (NM_001377274.1); short protein forms S868C, S1157C.
Identifiers: ClinVar variation 1731732 (VCV001731732.2), dbSNP rs1944432669, ClinGen allele CA384140741.